The following is an entry in ClinVar:

ClinVar aggregate classification (germline): Likely benign (0 of 4 stars; one submission).

Conditions:
TNXB-related disorder. Also called: TNXB-related condition.

Allele frequency attached by ClinVar (database versions not stated): gnomAD 0.00001.
gnomAD v4.1: 6 of 1,590,084 alleles (0.00038%); highest among the groups gnomAD compares: South Asian, 0.0069%; no homozygotes.

Submission:

PreventionGenetics, part of Exact Sciences
Classification: Likely benign for TNXB-related condition. Last evaluated: 2022-08-19. Review status: no assertion criteria provided. Collection method: clinical testing. Allele origin: germline.
Comment: This variant is classified as likely benign based on ACMG/AMP sequence variant interpretation guidelines (Richards et al. 2015 PMID: 25741868, with internal and published modifications).

NM_001365276.2(TNXB):c.3954C>T (p.Gly1318=)

Gene: TNXB (tenascin XB; minus strand). Cytogenetic location: 6p21.33.
Variant type: single nucleotide variant.
Coding change: c.3954C>T on transcript NM_001365276.2 (MANE Select); coding-DNA position 3954, C replaced by T.
Protein change: p.Gly1318=; no amino-acid change (glycine 1318 retained).
Molecular consequence: synonymous variant.
Genome position (GRCh38, 1-based): chr6:32,081,456, G>A on the plus strand (C>T on the coding strand, the complement: TNXB is on the minus strand). VCF-style: chr6-32081456-G-A. GRCh37 (hg19) VCF-style: chr6-32049233-G-A.
Other names: c.3954C>T, p.Gly1318= (NM_019105.8).
Identifiers: ClinVar variation 3031349 (VCV003031349.2), dbSNP rs1473295112, ClinGen allele CA449822635.